The following is an entry in ClinVar:

NM_001793.6(CDH3):c.65C>A (p.Ala22Glu)

Genes: CDH3 (cadherin 3; plus strand), CDH3-AS1 (CDH3 antisense RNA 1; minus strand). Cytogenetic location: 16q22.1.
Variant type: single nucleotide variant.
Coding change: c.65C>A on transcript NM_001793.6 (MANE Select); coding-DNA position 65, C replaced by A.
Protein change: p.Ala22Glu; replaces alanine 22 with glutamic acid.
Molecular consequence: missense variant. On other transcripts: intron variant (1).
Genome position (GRCh38, 1-based): chr16:68,645,655, C>A. VCF-style: chr16-68645655-C-A. GRCh37 (hg19) VCF-style: chr16-68679558-C-A.
Other names: c.65C>A (NM_001793.5, NM_001793.4); c.65C>A, p.Ala22Glu (NM_001317195.3); c.-6+231C>A (NM_001317196.2); short protein forms A22E.
Identifiers: ClinVar variation 1013772 (VCV001013772.11), dbSNP rs1293518261, ClinGen allele CA396455198.
Genomic context (GRCh38, chr16:68,645,655, plus strand): 5'-GCCTGGACCCAGCCTCCTTCACTCTCTGCCCTCGGGCGCAGGTTTGCTGGCTGCAGTGCG[C>A]GGCCTCCGAGCCGTGCCGGGCGGTCTTCAGGGAGGCTGAAGTGACCTTGGAGGCGGGAGG-3'
Protein context (NP_001784.2, residues 12-32): LLLQVCWLQC[Ala22Glu]ASEPCRAVFR

ClinVar aggregate classification (germline): Uncertain significance. Review status: criteria provided, multiple submitters, no conflicts (2 of 4 stars). 3 submissions from 3 submitters: Uncertain significance (3). Last evaluated 2026-02-12.

Conditions:
CDH3-related disorder. Also called: CDH3-related condition.
Inborn genetic diseases. Identifiers: MedGen C0950123, MeSH D030342.

Allele frequency attached by ClinVar (database versions not stated): TOPMed 0.00002.
gnomAD v4.1: 33 of 1,542,812 alleles (0.0021%); highest among the groups gnomAD compares: Non-Finnish European, 0.0028%; no homozygotes.

Submissions (3):

PreventionGenetics, part of Exact Sciences
Classification: Uncertain significance for CDH3-related condition. Last evaluated: 2026-02-12. Review status: criteria provided, single submitter. Criteria: ACMG Guidelines, 2015. Collection method: clinical testing. Allele origin: germline.
Comment: The CDH3 c.65C>A variant is predicted to result in the amino acid substitution p.Ala22Glu. To our knowledge, this variant has not been reported in the literature. This variant is reported in 0.0096% of alleles in individuals of European (Non-Finnish) descent in gnomAD. At this time, the clinical significance of this variant is uncertain due to the absence of conclusive functional and genetic evidence.

Labcorp Genetics (formerly Invitae), Labcorp
Classification: Uncertain significance. Last evaluated: 2022-08-17. Review status: criteria provided, single submitter. Criteria: Invitae Variant Classification Sherloc (09022015). Collection method: clinical testing. Allele origin: germline.
Comment: In summary, the available evidence is currently insufficient to determine the role of this variant in disease. Therefore, it has been classified as a Variant of Uncertain Significance. Algorithms developed to predict the effect of missense changes on protein structure and function are either unavailable or do not agree on the potential impact of this missense change (SIFT: "Not Available"; PolyPhen-2: "Benign"; Align-GVGD: "Not Available"). ClinVar contains an entry for this variant (Variation ID: 1013772). This variant has not been reported in the literature in individuals affected with CDH3-related conditions. This variant is present in population databases (no rsID available, gnomAD 0.01%). This sequence change replaces alanine, which is neutral and non-polar, with glutamic acid, which is acidic and polar, at codon 22 of the CDH3 protein (p.Ala22Glu).

Ambry Genetics
Classification: Uncertain significance for Inborn genetic diseases. Last evaluated: 2022-08-01. Review status: criteria provided, single submitter. Criteria: Ambry Variant Classification Scheme 2023. Collection method: clinical testing. Allele origin: germline.